The following is an entry in ClinVar:

NM_002601.4(PDE6D):c.304A>C (p.Thr102Pro)

Gene: PDE6D (phosphodiesterase 6D; minus strand). Cytogenetic location: 2q37.1.
Variant type: single nucleotide variant.
Coding change: c.304A>C on transcript NM_002601.4 (MANE Select); coding-DNA position 304, A replaced by C.
Protein change: p.Thr102Pro; replaces threonine 102 with proline.
Molecular consequence: missense variant. On other transcripts: intron variant (1).
Genome position (GRCh38, 1-based): chr2:231,737,254, T>G on the plus strand (A>C on the coding strand, the complement: PDE6D is on the minus strand). VCF-style: chr2-231737254-T-G. GRCh37 (hg19) VCF-style: chr2-232601964-T-G.
Other names: c.265+759A>C (NM_001291018.2); short protein forms T102P.
Identifiers: ClinVar variation 1508371 (VCV001508371.8), dbSNP rs2106260506, ClinGen allele CA350974200.

ClinVar aggregate classification (germline): Uncertain significance (1 of 4 stars; one submission).

Conditions:
Joubert syndrome 22 (JBTS22). Identifiers: Orphanet 2754, MedGen C3810278, MONDO:0014297, OMIM 615665.

Allele frequency attached by ClinVar (database versions not stated): gnomAD exomes below 0.00001.
gnomAD v4.1: 5 of 1,613,130 alleles (0.00031%); highest among the groups gnomAD compares: Non-Finnish European, 0.00025%; no homozygotes.

Submission:

Labcorp Genetics (formerly Invitae), Labcorp
Classification: Uncertain significance for Joubert syndrome 22. Last evaluated: 2022-02-24. Review status: criteria provided, single submitter. Criteria: Invitae Variant Classification Sherloc (09022015). Collection method: clinical testing. Allele origin: germline.
Comment: In summary, the available evidence is currently insufficient to determine the role of this variant in disease. Therefore, it has been classified as a Variant of Uncertain Significance. Algorithms developed to predict the effect of missense changes on protein structure and function are either unavailable or do not agree on the potential impact of this missense change (SIFT: "Deleterious"; PolyPhen-2: "Possibly Damaging"; Align-GVGD: "Class C0"). This variant has not been reported in the literature in individuals affected with PDE6D-related conditions. This variant is not present in population databases (gnomAD no frequency). This sequence change replaces threonine, which is neutral and polar, with proline, which is neutral and non-polar, at codon 102 of the PDE6D protein (p.Thr102Pro).